The following is an entry in ClinVar:

NM_000023.4(SGCA):c.781G>A (p.Val261Met)

Gene: SGCA (sarcoglycan alpha; plus strand). Cytogenetic location: 17q21.33.
Variant type: single nucleotide variant.
Coding change: c.781G>A on transcript NM_000023.4 (MANE Select); coding-DNA position 781, G replaced by A.
Protein change: p.Val261Met; replaces valine 261 with methionine.
Molecular consequence: missense variant. On other transcripts: intron variant (1).
Genome position (GRCh38, 1-based): chr17:50,170,176, G>A. VCF-style: chr17-50170176-G-A. GRCh37 (hg19) VCF-style: chr17-48247537-G-A.
Other names: c.585-464G>A (NM_001135697.3); short protein forms V261M.
Identifiers: ClinVar variation 966961 (VCV000966961.10), dbSNP rs754703769, ClinGen allele CA8643915.

ClinVar aggregate classification (germline): Uncertain significance. Review status: criteria provided, single submitter (1 of 4 stars). 2 submissions from 2 submitters: Uncertain significance (1). 1 of the submissions does not count toward it. Last evaluated 2022-06-13.

Conditions:
Autosomal recessive limb-girdle muscular dystrophy type 2D (LGMDR3). Also called: DUCHENNE-LIKE AUTOSOMAL RECESSIVE MUSCULAR DYSTROPHY, TYPE 2; MUSCULAR DYSTROPHY, LIMB-GIRDLE, AUTOSOMAL RECESSIVE 3; ADHALINOPATHY, PRIMARY. Identifiers: Orphanet 62, MedGen C2936332, MONDO:0011968, OMIM 608099. Disease mechanism: Affects gamma-sarcoglycan and also disrupts the integrity of the entire sarcoglycan complex..

Allele frequency attached by ClinVar (database versions not stated): ExAC 0.00004.

Submissions (2):

Labcorp Genetics (formerly Invitae), Labcorp
Classification: Uncertain significance for Autosomal recessive limb-girdle muscular dystrophy type 2D. Last evaluated: 2022-06-13. Review status: criteria provided, single submitter. Criteria: Invitae Variant Classification Sherloc (09022015). Collection method: clinical testing. Allele origin: germline.
Comment: This sequence change replaces valine, which is neutral and non-polar, with methionine, which is neutral and non-polar, at codon 261 of the SGCA protein (p.Val261Met). This variant is present in population databases (rs754703769, gnomAD 0.04%). This variant has not been reported in the literature in individuals affected with SGCA-related conditions. ClinVar contains an entry for this variant (Variation ID: 966961). Advanced modeling of protein sequence and biophysical properties (such as structural, functional, and spatial information, amino acid conservation, physicochemical variation, residue mobility, and thermodynamic stability) performed at Invitae indicates that this missense variant is not expected to disrupt SGCA protein function. In summary, the available evidence is currently insufficient to determine the role of this variant in disease. Therefore, it has been classified as a Variant of Uncertain Significance.

Natera, Inc.
Classification: Uncertain significance for Limb-girdle muscular dystrophy type 2D. Last evaluated: 2020-01-09. Review status: no assertion criteria provided. Collection method: clinical testing. Allele origin: germline. Not counted in ClinVar's aggregate classification.